The following is an entry in ClinVar:

ClinVar aggregate classification (germline): Likely benign (1 of 4 stars; one submission).

Allele frequency attached by ClinVar (database versions not stated): gnomAD exomes 0.00005; ExAC 0.00003.
gnomAD v4.1: 28 of 1,614,210 alleles (0.0017%); highest among the groups gnomAD compares: South Asian, 0.031%; no homozygotes.

Submission:

GeneDx
Classification: Likely benign. Last evaluated: 2016-04-19. Review status: criteria provided, single submitter. Criteria: GeneDx Variant Classification (06012015). Collection method: clinical testing. Allele origin: germline. Affected: yes.
Comment: This variant is considered likely benign or benign based on one or more of the following criteria: it is a conservative change, it occurs at a poorly conserved position in the protein, it is predicted to be benign by multiple in silico algorithms, and/or has population frequency not consistent with disease.

NM_006294.5(UQCRB):c.19+13G>C

Genes: UQCRB-AS1 (UQCRB antisense RNA 1; plus strand), UQCRB (ubiquinol-cytochrome c reductase binding protein; minus strand), LOC130000789 (ATAC-STARR-seq lymphoblastoid active region 27659; plus strand). Cytogenetic location: 8q22.1.
Variant type: single nucleotide variant.
Coding change: c.19+13G>C on transcript NM_006294.5 (MANE Select); 13 bases into the intron after coding-DNA position 19, G replaced by C.
Molecular consequence: intron variant.
Genome position (GRCh38, 1-based): chr8:96,235,499, C>G on the plus strand (G>C on the coding strand, the complement: UQCRB is on the minus strand). VCF-style: chr8-96235499-C-G. GRCh37 (hg19) VCF-style: chr8-97247727-C-G.
Other names: c.19+13G>C (NM_001254752.2); c.-192+13G>C (NM_001199975.3).
Identifiers: ClinVar variation 384986 (VCV000384986.1), dbSNP rs771528087, ClinGen allele CA4816009.